The following is an entry in ClinVar:

ClinVar aggregate classification (germline): Uncertain significance. Review status: criteria provided, multiple submitters, no conflicts (2 of 4 stars). 2 submissions from 2 submitters: Uncertain significance (2). Last evaluated 2022-06-17.

Submissions (2):

Ambry Genetics
Classification: Uncertain significance. Last evaluated: 2022-06-17. Review status: criteria provided, single submitter. Criteria: Ambry Variant Classification Scheme 2023. Collection method: clinical testing. Allele origin: germline.

Labcorp Genetics (formerly Invitae), Labcorp
Classification: Uncertain significance. Last evaluated: 2021-01-18. Review status: criteria provided, single submitter. Criteria: Invitae Variant Classification Sherloc (09022015). Collection method: clinical testing. Allele origin: germline.
Comment: This sequence change replaces serine with leucine at codon 1091 of the CCDC88A protein (p.Ser1091Leu). The serine residue is moderately conserved and there is a large physicochemical difference between serine and leucine. This variant is not present in population databases (ExAC no frequency). This variant has not been reported in the literature in individuals with CCDC88A-related conditions. Algorithms developed to predict the effect of missense changes on protein structure and function are either unavailable or do not agree on the potential impact of this missense change (SIFT: "Tolerated"; PolyPhen-2: "Possibly Damaging"; Align-GVGD: "Class C0"). In summary, the available evidence is currently insufficient to determine the role of this variant in disease. Therefore, it has been classified as a Variant of Uncertain Significance.

NM_001365480.1(CCDC88A):c.3275C>T (p.Ser1092Leu)

Gene: CCDC88A (coiled-coil and HOOK domain protein 88A; minus strand). Cytogenetic location: 2p16.1.
Variant type: single nucleotide variant.
Coding change: c.3275C>T on transcript NM_001365480.1 (MANE Select); coding-DNA position 3275, C replaced by T.
Protein change: p.Ser1092Leu; replaces serine 1092 with leucine.
Molecular consequence: missense variant.
Genome position (GRCh38, 1-based): chr2:55,318,892, G>A on the plus strand (C>T on the coding strand, the complement: CCDC88A is on the minus strand). VCF-style: chr2-55318892-G-A. GRCh37 (hg19) VCF-style: chr2-55546028-G-A.
Other names: c.3272C>T, p.Ser1091Leu (NM_001135597.2, NM_001254943.2); c.3275C>T, p.Ser1092Leu (NM_018084.5); c.3272C>T (NM_001135597.1); short protein forms S1091L, S1092L.
Identifiers: ClinVar variation 1503459 (VCV001503459.9), dbSNP rs2104629924, ClinGen allele CA346893905.
Genomic context (GRCh38, chr2:55,318,892, plus strand): 5'-TATATTACAACCTGAAGCTTGGCATTCTGTGTTTGAAGAGTGGTATTCTGTTCTTGTAAT[G>A]ACACTGTCTGCCTCTGAAGTGCAAGAATCTGAGCCTGCAAATTATTGTTCTGTGTCTCAA-3'
Protein context (NP_001352409.1, residues 1082-1102): QILALQRQTV[Ser1092Leu]LQEQNTTLQT